The following is an entry in ClinVar:

ClinVar aggregate classification (germline): Uncertain significance (1 of 4 stars; one submission).

Conditions:
Hereditary cancer-predisposing syndrome. Also called: Hereditary Cancer Syndrome; Neoplastic Syndromes, Hereditary; Tumor predisposition; Hereditary neoplastic syndrome. Identifiers: Orphanet 140162, MedGen C0027672, MeSH D009386, MONDO:0015356.

Submission:

Ambry Genetics
Classification: Uncertain significance for Hereditary cancer-predisposing syndrome. Last evaluated: 2023-11-09. Review status: criteria provided, single submitter. Criteria: Ambry Variant Classification Scheme 2023. Collection method: clinical testing. Allele origin: germline.
Comment: The p.L150V variant (also known as c.448C>G), located in coding exon 4 of the ATM gene, results from a C to G substitution at nucleotide position 448. The leucine at codon 150 is replaced by valine, an amino acid with highly similar properties. This amino acid position is highly conserved in available vertebrate species. In addition, this alteration is predicted to be deleterious by in silico analysis. Since supporting evidence is limited at this time, the clinical significance of this alteration remains unclear.

NM_000051.4(ATM):c.448C>G (p.Leu150Val)

Gene: ATM (ATM serine/threonine kinase; plus strand). Cytogenetic location: 11q22.3.
Variant type: single nucleotide variant.
Coding change: c.448C>G on transcript NM_000051.4 (MANE Select); coding-DNA position 448, C replaced by G.
Protein change: p.Leu150Val; replaces leucine 150 with valine.
Molecular consequence: missense variant.
Genome position (GRCh38, 1-based): chr11:108,235,786, C>G. VCF-style: chr11-108235786-C-G. GRCh37 (hg19) VCF-style: chr11-108106513-C-G.
Other names: c.448C>G, p.Leu150Val (NM_001351834.2); short protein forms L150V.
Identifiers: ClinVar variation 481347 (VCV000481347.5), dbSNP rs1555059404, ClinGen allele CA382525327.